The following is an entry in ClinVar:

ClinVar aggregate classification (germline): Uncertain significance (1 of 4 stars; one submission).

Conditions:
Hereditary cancer-predisposing syndrome. Also called: Neoplastic Syndromes, Hereditary; Tumor predisposition; Hereditary Cancer Syndrome; Hereditary neoplastic syndrome. Identifiers: Orphanet 140162, MedGen C0027672, MeSH D009386, MONDO:0015356.

gnomAD v4.1: 1 of 1,611,258 alleles (0.000062%); highest among the groups gnomAD compares: Non-Finnish European, 0.000085%; no homozygotes.

Submission:

Ambry Genetics
Classification: Uncertain significance for Hereditary cancer-predisposing syndrome. Last evaluated: 2022-03-01. Review status: criteria provided, single submitter. Criteria: Ambry Variant Classification Scheme 2023. Collection method: clinical testing. Allele origin: germline.
Comment: The p.S58Y variant (also known as c.173C>A), located in coding exon 4 of the BAP1 gene, results from a C to A substitution at nucleotide position 173. The serine at codon 58 is replaced by tyrosine, an amino acid with dissimilar properties. This amino acid position is conserved. In addition, the in silico prediction for this alteration is inconclusive. Since supporting evidence is limited at this time, the clinical significance of this alteration remains unclear.

NM_004656.4(BAP1):c.173C>A (p.Ser58Tyr)

Gene: BAP1 (BRCA1 associated deubiquitinase 1; minus strand). Cytogenetic location: 3p21.1.
Variant type: single nucleotide variant.
Coding change: c.173C>A on transcript NM_004656.4 (MANE Select); coding-DNA position 173, C replaced by A.
Protein change: p.Ser58Tyr; replaces serine 58 with tyrosine.
Molecular consequence: missense variant.
Genome position (GRCh38, 1-based): chr3:52,408,556, G>T on the plus strand (C>A on the coding strand, the complement: BAP1 is on the minus strand). VCF-style: chr3-52408556-G-T. GRCh37 (hg19) VCF-style: chr3-52442572-G-T.
Other names: c.173C>A, p.Ser58Tyr (NM_001410772.1); short protein forms S58Y.
Identifiers: ClinVar variation 1779159 (VCV001779159.2), dbSNP rs1705238935, ClinGen allele CA353113485.